The following is an entry in ClinVar:

NM_001042750.2(STAG2):c.501G>T (p.Gln167His)

Gene: STAG2 (STAG2 cohesin complex component; plus strand). Cytogenetic location: Xq25.
Variant type: single nucleotide variant.
Coding change: c.501G>T on transcript NM_001042750.2 (MANE Select); coding-DNA position 501, G replaced by T.
Protein change: p.Gln167His; replaces glutamine 167 with histidine.
Molecular consequence: missense variant.
Genome position (GRCh38, 1-based): chrX:124,045,202, G>T. VCF-style: chrX-124045202-G-T. GRCh37 (hg19) VCF-style: chrX-123179052-G-T.
Other names: c.501G>T, p.Gln167His (NM_001042749.2, NM_001042751.2, NM_001282418.2 and 13 more transcripts); short protein forms Q167H.
Identifiers: ClinVar variation 1428624 (VCV001428624.6), dbSNP rs2148179209, ClinGen allele CA414274404.

ClinVar aggregate classification (germline): Uncertain significance (1 of 4 stars; one submission).

Submission:

Labcorp Genetics (formerly Invitae), Labcorp
Classification: Uncertain significance. Last evaluated: 2022-04-16. Review status: criteria provided, single submitter. Criteria: Invitae Variant Classification Sherloc (09022015). Collection method: clinical testing. Allele origin: germline.
Comment: In summary, the available evidence is currently insufficient to determine the role of this variant in disease. Therefore, it has been classified as a Variant of Uncertain Significance. Algorithms developed to predict the effect of missense changes on protein structure and function (SIFT, PolyPhen-2, Align-GVGD) all suggest that this variant is likely to be tolerated. This variant has not been reported in the literature in individuals affected with STAG2-related conditions. This variant is not present in population databases (gnomAD no frequency). This sequence change replaces glutamine, which is neutral and polar, with histidine, which is basic and polar, at codon 167 of the STAG2 protein (p.Gln167His).